The following is an entry in ClinVar:

NM_001110556.2(FLNA):c.2459_2464del (p.Ala820_Ile822delinsVal)

Gene: FLNA (filamin A; minus strand). Cytogenetic location: Xq28.
Variant type: Deletion.
Coding change: c.2459_2464del on transcript NM_001110556.2 (MANE Select); coding-DNA positions 2459 to 2464, 6 bases deleted (CTGACA; older notation c.2459_2464delCTGACA).
Protein change: p.Ala820_Ile822delinsVal.
Molecular consequence: inframe indel.
Genome position (GRCh38, 1-based): chrX:154,362,519-154,362,524, TGTCAG deleted on the plus strand (CTGACA on the coding strand, the reverse complement: FLNA is on the minus strand). VCF-style (leftmost placement, unchanged base first): chrX-154362518-ATGTCAG-A. GRCh37 (hg19) VCF-style: chrX-153590886-ATGTCAG-A.
Other names: c.2459_2464del, p.Ala820_Ile822delinsVal (NM_001456.4).
Identifiers: ClinVar variation 3368510 (VCV003368510.1).

ClinVar aggregate classification (germline): Uncertain significance (1 of 4 stars; one submission).

Submission:

GeneDx
Classification: Uncertain significance. Last evaluated: 2024-02-01. Review status: criteria provided, single submitter. Criteria: GeneDx Variant Classification Process June 2021. Collection method: clinical testing. Allele origin: germline. Affected: yes.
Comment: Not observed at significant frequency in large population cohorts (gnomAD); In-frame deletion of 3 amino acids and in-frame insertion of 1 amino acid in a non-repeat region; In silico analysis supports a deleterious effect on protein structure/function; Has not been previously published as pathogenic or benign to our knowledge.